The following is an entry in ClinVar:

ClinVar aggregate classification (germline): Uncertain significance (1 of 4 stars; one submission).

Submission:

GeneDx
Classification: Uncertain significance. Last evaluated: 2025-08-12. Review status: criteria provided, single submitter. Criteria: GeneDx Variant Classification Process June 2021. Collection method: clinical testing. Allele origin: germline. Affected: yes.
Comment: Not observed at significant frequency in large population cohorts (gnomAD); In silico analysis supports that this missense variant has a deleterious effect on protein structure/function; Has not been previously published as pathogenic or benign to our knowledge

NM_020987.5(ANK3):c.2153A>G (p.Asn718Ser)

Gene: ANK3 (ankyrin 3; minus strand). Cytogenetic location: 10q21.2.
Variant type: single nucleotide variant.
Coding change: c.2153A>G on transcript NM_020987.5 (MANE Select); coding-DNA position 2153, A replaced by G.
Protein change: p.Asn718Ser; replaces asparagine 718 with serine.
Molecular consequence: missense variant.
Genome position (GRCh38, 1-based): chr10:60,181,360, T>C on the plus strand (A>G on the coding strand, the complement: ANK3 is on the minus strand). VCF-style: chr10-60181360-T-C. GRCh37 (hg19) VCF-style: chr10-61941118-T-C.
Other names: c.2135A>G, p.Asn712Ser (NM_001204403.2); c.2102A>G, p.Asn701Ser (NM_001204404.2); c.2153A>G, p.Asn718Ser (NM_001320874.2); short protein forms N712S, N701S, N718S.
Identifiers: ClinVar variation 4795574 (VCV004795574.1).
Genomic context (GRCh38, chr10:60,181,360, plus strand): 5'-TTTCCGTGTGGCAAGGGAGGGCCGTATACCTTTGTCTGGGCGTCCACATGAGCCCCTTGG[T>C]TTACGAGGACTTCTGCCACATTCACTCGATCTTCTTGAGCAGCCAAATGGAGTGGGGTCA-3'
Protein context (NP_066267.2, residues 708-728): DRVNVAEVLV[Asn718Ser]QGAHVDAQTK